The following is an entry in ClinVar:

NM_000213.5(ITGB4):c.2550+1G>A

Gene: ITGB4 (integrin subunit beta 4; plus strand). Cytogenetic location: 17q25.1.
Variant type: single nucleotide variant.
Coding change: c.2550+1G>A on transcript NM_000213.5 (MANE Select); the canonical splice donor site of the intron after coding-DNA position 2550, G replaced by A.
Molecular consequence: splice donor variant.
Genome position (GRCh38, 1-based): chr17:75,740,462, G>A. VCF-style: chr17-75740462-G-A. GRCh37 (hg19) VCF-style: chr17-73736543-G-A.
Other names: c.2550+1G>A (NM_001005619.2, NM_001005731.3, NM_001438834.1 and 1 more transcripts).
Identifiers: ClinVar variation 632288 (VCV000632288.9), dbSNP rs545619665, ClinGen allele CA8769443.
Genomic context (GRCh38, chr17:75,740,462, plus strand): 5'-AACCTGCTGAAGCCTGACACTCGGGAGTGCGCCCAGCTGCGCCAGGAGGTGGAGGAGAAC[G>A]TAAGGACCCAGGAACTAGGCCTGGCCGGAGATGTGGGTATGAGGGCGGGTGAGGTGGGCA-3'

ClinVar aggregate classification (germline): Pathogenic/Likely pathogenic. Review status: criteria provided, multiple submitters, no conflicts (2 of 4 stars). 3 submissions from 3 submitters: Pathogenic (1); Likely pathogenic (2). Last evaluated 2025-09-10.

Conditions:
Junctional epidermolysis bullosa with pyloric atresia. Also called: ITGB4-Related Epidermolysis Bullosa with Pyloric Atresia; ITGA6-Related Epidermolysis Bullosa with Pyloric Atresia; APLASIA CUTIS CONGENITA WITH GASTROINTESTINAL ATRESIA; CARMI SYNDROME; Epidermolysis bullosa, junctional, with pyloric atresia and aplasia cutis congenita; Epidermolysis bullosa junctionalis with pyloric atresia. Identifiers: Orphanet 79403, MedGen C5676875, MONDO:0009183, OMIM 226730.

Allele frequency attached by ClinVar (database versions not stated): gnomAD exomes below 0.00001; TOPMed below 0.00001; ExAC 0.00001.
gnomAD v4.1: 6 of 1,611,976 alleles (0.00037%); highest among the groups gnomAD compares: South Asian, 0.0022%; no homozygotes.

Submissions (3):

Genomic Medicine Center of Excellence, King Faisal Specialist Hospital and Research Centre
Classification: Pathogenic for Junctional epidermolysis bullosa with pyloric atresia. Last evaluated: 2025-09-10. Review status: criteria provided, single submitter. Criteria: ACMG Guidelines, 2015. Collection method: clinical testing. Allele origin: germline.

Labcorp Genetics (formerly Invitae), Labcorp
Classification: Likely pathogenic. Last evaluated: 2023-10-17. Review status: criteria provided, single submitter. Criteria: Invitae Variant Classification Sherloc (09022015). Collection method: clinical testing. Allele origin: germline.
Comment: This sequence change affects a donor splice site in intron 21 of the ITGB4 gene. It is expected to disrupt RNA splicing. Variants that disrupt the donor or acceptor splice site typically lead to a loss of protein function (PMID: 16199547), and loss-of-function variants in ITGB4 are known to be pathogenic (PMID: 11328943, 16473856). This variant is present in population databases (rs545619665, gnomAD 0.003%). This variant has not been reported in the literature in individuals affected with ITGB4-related conditions. ClinVar contains an entry for this variant (Variation ID: 632288). Algorithms developed to predict the effect of sequence changes on RNA splicing suggest that this variant may disrupt the consensus splice site. In summary, the currently available evidence indicates that the variant is pathogenic, but additional data are needed to prove that conclusively. Therefore, this variant has been classified as Likely Pathogenic.

Molecular Genetics Department, Kulakov National Medical Research Center for Obstetrics, Gynecology and Perinatology
Classification: Likely pathogenic for Junctional epidermolysis bullosa with pyloric atresia. Review status: criteria provided, single submitter. Criteria: ACMG Guidelines, 2015. Collection method: clinical testing. Allele origin: germline. Affected: yes.
Comment: A previously undescribed nucleotide variant creates an alteration of the canonical splice site c.2550+1G>A in the ITGB4 gene. Homozygous and compound heterozygous variants are reported in patients with Epidermolysis bullosa, junctional 5B, with pyloric atresia, 226730. The variant is present in gnomAD population database at low frequency (1/249182 chromosomes, no homozygotes). In summary, the currently available evidence indicates that the variant is pathogenic, but additional data are needed to prove that conclusively. Therefore, this variant has been classified as likely pathogenic.

Literature cited by the submitters: PubMed 16199547 (cited by Labcorp Genetics (formerly Invitae), Labcorp); PubMed 11328943 (cited by Labcorp Genetics (formerly Invitae), Labcorp); PubMed 16473856 (cited by Labcorp Genetics (formerly Invitae), Labcorp).